The following is an entry in ClinVar:

NM_001367868.2(PLIN4):c.824T>C (p.Val275Ala)

Gene: PLIN4 (perilipin 4; minus strand). Cytogenetic location: 19p13.3.
Variant type: single nucleotide variant.
Coding change: c.824T>C on transcript NM_001367868.2 (MANE Select); coding-DNA position 824, T replaced by C.
Protein change: p.Val275Ala; replaces valine 275 with alanine.
Molecular consequence: missense variant.
Genome position (GRCh38, 1-based): chr19:4,513,136, A>G on the plus strand (T>C on the coding strand, the complement: PLIN4 is on the minus strand). VCF-style: chr19-4513136-A-G. GRCh37 (hg19) VCF-style: chr19-4513148-A-G.
Other names: c.827T>C, p.Val276Ala (NM_001393888.1, NM_001393889.1); c.824T>C, p.Val275Ala (NM_001393890.1, NM_001393891.1); short protein forms V275A, V276A.
Identifiers: ClinVar variation 2649063 (VCV002649063.24), dbSNP rs375161179, ClinGen allele CA9100992.

ClinVar aggregate classification (germline): Benign (1 of 4 stars; one submission).

Allele frequency attached by ClinVar (database versions not stated): gnomAD exomes 0.00023; gnomAD 0.00042; ExAC 0.00065; 1000 Genomes Project 30x 0.00156; 1000 Genomes Project 0.00559; ESP Exome Variant Server 0.00716; TOPMed 0.00779.
gnomAD v4.1: 215 of 1,550,318 alleles (0.014%); highest among the groups gnomAD compares: African/African-American, 0.26%; 24 homozygotes.

Submission:

CeGaT Center for Human Genetics Tuebingen
Classification: Benign. Last evaluated: 2026-03-01. Review status: criteria provided, single submitter. Criteria: CeGaT Center For Human Genetics Tuebingen Variant Classification Criteria Version 2. Collection method: clinical testing. Allele origin: germline. Affected: yes. Observed: 3 variant alleles.
Comment: PLIN4: BP4, BS1, BS2